The following is an entry in ClinVar:

ClinVar aggregate classification (germline): Uncertain significance. Review status: criteria provided, multiple submitters, no conflicts (2 of 4 stars). 3 submissions from 3 submitters: Uncertain significance (3). Last evaluated 2025-12-11.

Conditions:
Short-rib thoracic dysplasia 14 with polydactyly (SRTD14). Identifiers: Orphanet 397715, MedGen C4225286, MONDO:0014688, OMIM 616546.
Joubert syndrome 23 (JBTS23). Identifiers: Orphanet 475, MedGen C4084822, MONDO:0014664, OMIM 616490.
Inborn genetic diseases. Identifiers: MedGen C0950123, MeSH D030342.

Allele frequency attached by ClinVar (database versions not stated): gnomAD exomes 0.00001; gnomAD 0.00001; TOPMed 0.00001.
gnomAD v4.1: 7 of 1,546,358 alleles (0.00045%); highest among the groups gnomAD compares: Admixed American, 0.006%; no homozygotes.

Submissions (3):

Ambry Genetics
Classification: Uncertain significance for Inborn genetic diseases. Last evaluated: 2025-12-11. Review status: criteria provided, single submitter. Criteria: Ambry Variant Classification Scheme 2023. Collection method: clinical testing. Allele origin: germline.

Labcorp Genetics (formerly Invitae), Labcorp
Classification: Uncertain significance for Joubert syndrome 23; Short-rib thoracic dysplasia 14 with polydactyly. Last evaluated: 2022-08-07. Review status: criteria provided, single submitter. Criteria: Invitae Variant Classification Sherloc (09022015). Collection method: clinical testing. Allele origin: germline.
Comment: This sequence change replaces glutamine, which is neutral and polar, with histidine, which is basic and polar, at codon 1348 of the KIAA0586 protein (p.Gln1348His). This variant is present in population databases (rs779179754, gnomAD no frequency). This variant has not been reported in the literature in individuals affected with KIAA0586-related conditions. ClinVar contains an entry for this variant (Variation ID: 1309194). Algorithms developed to predict the effect of missense changes on protein structure and function are either unavailable or do not agree on the potential impact of this missense change (SIFT: "Deleterious"; PolyPhen-2: "Probably Damaging"; Align-GVGD: "Class C0"). In summary, the available evidence is currently insufficient to determine the role of this variant in disease. Therefore, it has been classified as a Variant of Uncertain Significance.

GeneDx
Classification: Uncertain significance. Last evaluated: 2019-10-17. Review status: criteria provided, single submitter. Criteria: GeneDx Variant Classification Process June 2021. Collection method: clinical testing. Allele origin: germline. Affected: yes.
Comment: Not observed at a significant frequency in large population cohorts (Lek et al., 2016); In silico analysis, which includes protein predictors and evolutionary conservation, supports a deleterious effect; Has not been previously published as pathogenic or benign to our knowledge

NM_001329943.3(KIAA0586):c.3885A>C (p.Gln1295His)

Gene: KIAA0586 (KIAA0586; plus strand). Cytogenetic location: 14q23.1.
Variant type: single nucleotide variant.
Coding change: c.3885A>C on transcript NM_001329943.3 (MANE Select); coding-DNA position 3885, A replaced by C.
Protein change: p.Gln1295His; replaces glutamine 1295 with histidine.
Molecular consequence: missense variant. On other transcripts: intron variant (1).
Genome position (GRCh38, 1-based): chr14:58,492,170, A>C. VCF-style: chr14-58492170-A-C. GRCh37 (hg19) VCF-style: chr14-58958888-A-C.
Other names: c.4044A>C, p.Gln1348His (NM_001244189.2); c.3840A>C, p.Gln1280His (NM_001244190.2); c.3630A>C, p.Gln1210His (NM_001244191.2, NM_001329945.2, NM_001364700.1 and 1 more transcripts); c.3753A>C, p.Gln1251His (NM_001244192.2); c.3465A>C, p.Gln1155His (NM_001244193.2); c.3885A>C, p.Gln1295His (NM_001329944.2, NM_001329946.2); c.3657A>C, p.Gln1219His (NM_014749.5); c.3858+1930A>C (NM_001329947.2); and 1 more; short protein forms Q1155H, Q1210H, Q1219H, Q1251H, Q1280H, Q1295H, Q1348H.
Identifiers: ClinVar variation 1309194 (VCV001309194.4), dbSNP rs779179754, ClinGen allele CA261650012.